The following is an entry in ClinVar:

ClinVar aggregate classification (germline): Uncertain significance (1 of 4 stars; one submission).

Conditions:
Hereditary cancer-predisposing syndrome. Also called: Hereditary Cancer Syndrome; Tumor predisposition; Hereditary neoplastic syndrome; Neoplastic Syndromes, Hereditary. Identifiers: Orphanet 140162, MedGen C0027672, MeSH D009386, MONDO:0015356.
Cardiovascular phenotype. Identifiers: MedGen CN230736.

Submission:

Ambry Genetics
Classification: Uncertain significance for Cardiovascular phenotype; Hereditary cancer-predisposing syndrome. Last evaluated: 2024-10-06. Review status: criteria provided, single submitter. Criteria: Ambry Variant Classification Scheme 2023. Collection method: clinical testing. Allele origin: germline.
Comment: The p.V1019D variant (also known as c.3056T>A), located in coding exon 23 of the NF1 gene, results from a T to A substitution at nucleotide position 3056. The valine at codon 1019 is replaced by aspartic acid, an amino acid with highly dissimilar properties. This amino acid position is conserved. In addition, this alteration is predicted to be deleterious by in silico analysis. Based on the available evidence, the clinical significance of this variant remains unclear.

NM_001042492.3(NF1):c.3056T>A (p.Val1019Asp)

Gene: NF1 (neurofibromin 1; plus strand). Cytogenetic location: 17q11.2.
Variant type: single nucleotide variant.
Coding change: c.3056T>A on transcript NM_001042492.3 (MANE Select); coding-DNA position 3056, T replaced by A.
Protein change: p.Val1019Asp; replaces valine 1019 with aspartic acid.
Molecular consequence: missense variant.
Genome position (GRCh38, 1-based): chr17:31,230,325, T>A. VCF-style: chr17-31230325-T-A. GRCh37 (hg19) VCF-style: chr17-29557343-T-A.
Other names: c.3056T>A, p.Val1019Asp (NM_000267.4); short protein forms V1019D.
Identifiers: ClinVar variation 3404782 (VCV003404782.1).
Genomic context (GRCh38, chr17:31,230,325, plus strand): 5'-TTCGTGTGCTTGGGAATATGGTCCATGCAATTCAAATAAAAACGAAACTGTGTCAATTAG[T>A]TGAAGTAATGATGGCAAGGAGAGATGACCTCTCATTTTGCCAAGAGATGAAATTTAGGTG-3'
Protein context (NP_001035957.1, residues 1009-1029): IQIKTKLCQL[Val1019Asp]EVMMARRDDL